The following is an entry in ClinVar:

NM_139318.5(KCNH5):c.2642C>T (p.Ala881Val)

Gene: KCNH5 (potassium voltage-gated channel subfamily H member 5; minus strand). Cytogenetic location: 14q23.2.
Variant type: single nucleotide variant.
Coding change: c.2642C>T on transcript NM_139318.5 (MANE Select); coding-DNA position 2642, C replaced by T.
Protein change: p.Ala881Val; replaces alanine 881 with valine.
Molecular consequence: missense variant. On other transcripts: 3 prime UTR variant (1).
Genome position (GRCh38, 1-based): chr14:62,707,833, G>A on the plus strand (C>T on the coding strand, the complement: KCNH5 is on the minus strand). VCF-style: chr14-62707833-G-A. GRCh37 (hg19) VCF-style: chr14-63174551-G-A.
Other names: c.*609C>T (NM_172375.3); short protein forms A881V.
Identifiers: ClinVar variation 1346958 (VCV001346958.9), dbSNP rs2139898764, ClinGen allele CA390100148.

ClinVar aggregate classification (germline): Uncertain significance (1 of 4 stars; one submission).

Conditions:
Early-infantile DEE. Also called: Early infantile epileptic encephalopathy; Early infantile epileptic encephalopathy with suppression bursts; Ohtahara syndrome. Identifiers: Orphanet 1934, MedGen C0393706, MONDO:0800491.

Submission:

Labcorp Genetics (formerly Invitae), Labcorp
Classification: Uncertain significance for Early-infantile DEE. Last evaluated: 2022-08-31. Review status: criteria provided, single submitter. Criteria: Invitae Variant Classification Sherloc (09022015). Collection method: clinical testing. Allele origin: germline.
Comment: In summary, the available evidence is currently insufficient to determine the role of this variant in disease. Therefore, it has been classified as a Variant of Uncertain Significance. Algorithms developed to predict the effect of sequence changes on RNA splicing suggest that this variant may create or strengthen a splice site. Advanced modeling of protein sequence and biophysical properties (such as structural, functional, and spatial information, amino acid conservation, physicochemical variation, residue mobility, and thermodynamic stability) performed at Invitae indicates that this missense variant is not expected to disrupt KCNH5 protein function. ClinVar contains an entry for this variant (Variation ID: 1346958). This variant has not been reported in the literature in individuals affected with KCNH5-related conditions. This variant is not present in population databases (gnomAD no frequency). This sequence change replaces alanine, which is neutral and non-polar, with valine, which is neutral and non-polar, at codon 881 of the KCNH5 protein (p.Ala881Val).